The following is an entry in ClinVar:

ClinVar aggregate classification (germline): Likely pathogenic. Review status: criteria provided, multiple submitters, no conflicts (2 of 4 stars). 3 submissions from 3 submitters: Likely pathogenic (2). 1 of the submissions does not count toward it. Last evaluated 2026-03-31.

Conditions:
Primary hyperoxaluria type 3. Also called: PH III. Identifiers: Orphanet 416, Orphanet 93600, MedGen C3150878, MONDO:0013327, OMIM 613616. Disease mechanism: loss of function.

Allele frequency attached by ClinVar (database versions not stated): gnomAD exomes below 0.00001; ExAC 0.00001.
gnomAD v4.1: 1 of 1,612,124 alleles (0.000062%); highest among the groups gnomAD compares: South Asian, 0.0011%; no homozygotes.

Submissions (3):

Myriad Genetics, Inc.
Classification: Likely pathogenic for Primary hyperoxaluria type 3. Last evaluated: 2026-03-31. Review status: criteria provided, single submitter. Criteria: Myriad Autosomal Dominant, Autosomal Recessive and X-Linked Classification Criteria (2023). Collection method: clinical testing. Allele origin: unknown.
Comment: NM_138413.3(HOGA1):c.701-2A>G is a variant in a canonical splice site classified as likely pathogenic in the context of primary hyperoxaluria type 3. c.701-2A>G has not been observed in cases with relevant disease. Relevant functional assessments of this variant are not available in the literature. Internal structural analysis of the variant is supportive of pathogenicity. c.701-2A>G has been observed in referenced population frequency databases. In summary, NM_138413.3(HOGA1):c.701-2A>G is a variant in a canonical splice site that has internal structural support for pathogenicity and has been observed more frequently in cases with the relevant disease than in healthy populations. Please note: this variant was assessed in the context of healthy population screening.

Labcorp Genetics (formerly Invitae), Labcorp
Classification: Likely pathogenic. Last evaluated: 2023-07-28. Review status: criteria provided, single submitter. Criteria: Invitae Variant Classification Sherloc (09022015). Collection method: clinical testing. Allele origin: germline.
Comment: This sequence change affects an acceptor splice site in intron 5 of the HOGA1 gene. It is expected to disrupt RNA splicing. Variants that disrupt the donor or acceptor splice site typically lead to a loss of protein function (PMID: 16199547), and loss-of-function variants in HOGA1 are known to be pathogenic (PMID: 22391140, 22781098). This variant is present in population databases (rs776817346, gnomAD 0.003%). This variant has not been reported in the literature in individuals affected with HOGA1-related conditions. ClinVar contains an entry for this variant (Variation ID: 558448). Algorithms developed to predict the effect of sequence changes on RNA splicing suggest that this variant may disrupt the consensus splice site. In summary, the currently available evidence indicates that the variant is pathogenic, but additional data are needed to prove that conclusively. Therefore, this variant has been classified as Likely Pathogenic.

Counsyl
Classification: Likely pathogenic for Primary hyperoxaluria type 3. Last evaluated: 2018-05-22. Review status: no assertion criteria provided. Collection method: clinical testing. Allele origin: unknown. Not counted in ClinVar's aggregate classification.

Literature cited by the submitters: PubMed 16199547 (cited by Labcorp Genetics (formerly Invitae), Labcorp); PubMed 22391140 (cited by Labcorp Genetics (formerly Invitae), Labcorp); PubMed 22781098 (cited by Labcorp Genetics (formerly Invitae), Labcorp).

NM_138413.4(HOGA1):c.701-2A>G

Gene: HOGA1 (4-hydroxy-2-oxoglutarate aldolase 1; plus strand). Cytogenetic location: 10q24.2.
Variant type: single nucleotide variant.
Coding change: c.701-2A>G on transcript NM_138413.4 (MANE Select); the canonical splice acceptor site of the intron before coding-DNA position 701, A replaced by G.
Molecular consequence: splice acceptor variant.
Genome position (GRCh38, 1-based): chr10:97,601,855, A>G. VCF-style: chr10-97601855-A-G. GRCh37 (hg19) VCF-style: chr10-99361612-A-G.
Other names: c.212-2A>G (NM_001134670.2).
Identifiers: ClinVar variation 558448 (VCV000558448.12), dbSNP rs776817346, ClinGen allele CA5634220.
Genomic context (GRCh38, chr10:97,601,855, plus strand): 5'-AGGGCTTGGGATGCCTGGAGGGGAGAGGCTCTGGCTGATGTTCTGCGTCTTACTTCGTGC[A>G]GGAGCTGTGGGGGGCGTCTGCGCCCTGGCCAATGTCCTGGGGGCTCAGGTGTGCCAGCTG-3'